The following is an entry in ClinVar:

ClinVar aggregate classification (germline): Uncertain significance (1 of 4 stars; one submission).

Submission:

Labcorp Genetics (formerly Invitae), Labcorp
Classification: Uncertain significance. Last evaluated: 2022-09-23. Review status: criteria provided, single submitter. Criteria: Invitae Variant Classification Sherloc (09022015). Collection method: clinical testing. Allele origin: germline.
Comment: This sequence change replaces methionine, which is neutral and non-polar, with leucine, which is neutral and non-polar, at codon 321 of the ADNP protein (p.Met321Leu). This variant is not present in population databases (gnomAD no frequency). This variant has not been reported in the literature in individuals affected with ADNP-related conditions. Algorithms developed to predict the effect of missense changes on protein structure and function are either unavailable or do not agree on the potential impact of this missense change (SIFT: "Not Available"; PolyPhen-2: "Benign"; Align-GVGD: "Not Available"). In summary, the available evidence is currently insufficient to determine the role of this variant in disease. Therefore, it has been classified as a Variant of Uncertain Significance.

NM_001282531.3(ADNP):c.961A>T (p.Met321Leu)

Gene: ADNP (activity dependent neuroprotector homeobox; minus strand). Cytogenetic location: 20q13.13.
Variant type: single nucleotide variant.
Coding change: c.961A>T on transcript NM_001282531.3 (MANE Select); coding-DNA position 961, A replaced by T.
Protein change: p.Met321Leu; replaces methionine 321 with leucine.
Molecular consequence: missense variant.
Genome position (GRCh38, 1-based): chr20:50,893,753, T>A on the plus strand (A>T on the coding strand, the complement: ADNP is on the minus strand). VCF-style: chr20-50893753-T-A. GRCh37 (hg19) VCF-style: chr20-49510290-T-A.
Other names: c.961A>T, p.Met321Leu (NM_001282532.2, NM_001347511.2, NM_015339.5 and 1 more transcripts); short protein forms M321L.
Identifiers: ClinVar variation 1720148 (VCV001720148.5), dbSNP rs1362533308, ClinGen allele CA408974903.